The following is an entry in ClinVar:

ClinVar aggregate classification (germline): Uncertain significance. Review status: criteria provided, multiple submitters, no conflicts (2 of 4 stars). 5 submissions from 5 submitters: Uncertain significance (5). Last evaluated 2025-02-20.

Conditions:
Myofibrillar myopathy 4. Also called: Zaspopathy (type). Identifiers: Orphanet 98912, MedGen C4721886, MONDO:0012277, OMIM 609452.
Dilated cardiomyopathy 1C (CMD1C). Also called: Cardiomyopathy, dilated, 1C, with or without LVNC; CARDIOMYOPATHY, DILATED, 1C, WITH OR WITHOUT LEFT VENTRICULAR NONCOMPACTION. Identifiers: Orphanet 154, Orphanet 54260, MedGen C1832244, MONDO:0011094, OMIM 601493.

Allele frequency attached by ClinVar (database versions not stated): gnomAD 0.00003 and 0.00004; ESP Exome Variant Server 0.00008; ExAC 0.00001; TOPMed 0.00002; gnomAD exomes 0.00001.
gnomAD v4.1: 24 of 1,614,084 alleles (0.0015%); highest among the groups gnomAD compares: Non-Finnish European, 0.002%; no homozygotes.

Submissions (5):

Labcorp Genetics (formerly Invitae), Labcorp
Classification: Uncertain significance for Myofibrillar myopathy 4. Last evaluated: 2025-02-20. Review status: criteria provided, single submitter. Criteria: Invitae Variant Classification Sherloc (09022015). Collection method: clinical testing. Allele origin: germline.
Comment: This sequence change replaces asparagine, which is neutral and polar, with lysine, which is basic and polar, at codon 111 of the LDB3 protein (p.Asn111Lys). This variant is present in population databases (rs369470035, gnomAD 0.002%). This variant has not been reported in the literature in individuals affected with LDB3-related conditions. ClinVar contains an entry for this variant (Variation ID: 665826). An algorithm developed to predict the effect of missense changes on protein structure and function (PolyPhen-2) suggests that this variant is likely to be tolerated. In summary, the available evidence is currently insufficient to determine the role of this variant in disease. Therefore, it has been classified as a Variant of Uncertain Significance.

CeGaT Center for Human Genetics Tuebingen
Classification: Uncertain significance. Last evaluated: 2024-02-01. Review status: criteria provided, single submitter. Criteria: CeGaT Center For Human Genetics Tuebingen Variant Classification Criteria Version 2. Collection method: clinical testing. Allele origin: germline. Affected: yes. Observed: 1 variant allele.
Comment: LDB3: PP3

Revvity Omics, Revvity
Classification: Uncertain significance. Last evaluated: 2023-10-06. Review status: criteria provided, single submitter. Criteria: ACMG Guidelines, 2015. Collection method: clinical testing. Allele origin: germline.

GeneDx
Classification: Uncertain significance. Last evaluated: 2021-05-17. Review status: criteria provided, single submitter. Criteria: GeneDx Variant Classification Process June 2021. Collection method: clinical testing. Allele origin: germline. Affected: yes.
Comment: Has not been previously published as pathogenic or benign to our knowledge; Not observed at a significant frequency in large population cohorts (Lek et al., 2016); In silico analysis, which includes splice predictors and evolutionary conservation, supports that this variant does not alter protein structure/function; Reported in ClinVar as a variant of uncertain significance (ClinVar Variant ID# 665826; Landrum et al., 2016)

CENTOGENE GmbH and LLC - Guiding Precision Medicine
Classification: Uncertain significance for Dilated cardiomyopathy 1C. Last evaluated: 2020-12-18. Review status: criteria provided, single submitter. Criteria: ACMG Guidelines, 2015. Collection method: clinical testing. Allele origin: germline.

NM_001368067.1(LDB3):c.333C>G (p.Asn111Lys)

Genes: LDB3 (LIM domain binding 3; plus strand), LOC110121486 (VISTA enhancer hs2143; plus strand). Cytogenetic location: 10q23.2.
Variant type: single nucleotide variant.
Coding change: c.333C>G on transcript NM_001368067.1 (MANE Plus Clinical); coding-DNA position 333, C replaced by G.
Protein change: p.Asn111Lys; replaces asparagine 111 with lysine.
Molecular consequence: missense variant. On other transcripts: intron variant (7).
Genome position (GRCh38, 1-based): chr10:86,685,689, C>G. VCF-style: chr10-86685689-C-G. GRCh37 (hg19) VCF-style: chr10-88445446-C-G.
Other names: c.333C>G, p.Asn111Lys (NM_001080114.2, NM_001080116.1, NM_001368066.1 and 1 more transcripts); c.689+3886C>G (NM_001368064.1, NM_001368063.1, NM_007078.3 and 2 more transcripts); c.690-1380C>G (NM_001171610.2, NM_001171611.2); short protein forms N111K.
Identifiers: ClinVar variation 665826 (VCV000665826.37), dbSNP rs369470035, ClinGen allele CA5584777.